The following is an entry in ClinVar:

ClinVar aggregate classification (germline): Pathogenic (1 of 4 stars; one submission).

Submission:

Labcorp Genetics (formerly Invitae), Labcorp
Classification: Pathogenic. Last evaluated: 2025-09-03. Review status: criteria provided, single submitter. Criteria: Invitae Variant Classification Sherloc (09022015). Collection method: clinical testing. Allele origin: germline.
Comment: This sequence change creates a premature translational stop signal (p.Ser308Argfs*83) in the SPTB gene. It is expected to result in an absent or disrupted protein product. Loss-of-function variants in SPTB are known to be pathogenic (PMID: 1391962, 1498324, 8844207, 26830532, 27292444). This variant is not present in population databases (gnomAD no frequency). This variant has not been reported in the literature in individuals affected with SPTB-related conditions. For these reasons, this variant has been classified as Pathogenic.

Literature cited by the submitters: PubMed 1391962; PubMed 1498324; PubMed 8844207; PubMed 26830532; PubMed 27292444.

NM_001355436.2(SPTB):c.924_925del (p.Ser308fs)

Gene: SPTB (spectrin beta, erythrocytic; minus strand). Cytogenetic location: 14q23.3.
Variant type: Deletion.
Coding change: c.924_925del on transcript NM_001355436.2 (MANE Select); coding-DNA positions 924 to 925, 2 bases deleted (CG; older notation c.924_925delCG).
Protein change: p.Ser308fs; shifts the reading frame from serine 308.
Molecular consequence: frameshift variant.
Genome position (GRCh38, 1-based): chr14:64,799,886-64,799,887, CG deleted on the plus strand (CG on the coding strand, the reverse complement: SPTB is on the minus strand); deleting any 2 consecutive bases within chr14:64,799,886-64,799,888 gives the same sequence; the c. name uses the placement nearest the transcript's 3' end. VCF-style (leftmost placement, unchanged base first): chr14-64799885-CCG-C. GRCh37 (hg19) VCF-style: chr14-65266603-CCG-C.
Other names: c.924_925del, p.Ser308fs (NM_001024858.4, NM_001355437.2); short protein forms S308fs.
Identifiers: ClinVar variation 4726556 (VCV004726556.1).
Genomic context (GRCh38, chr14:64,799,885, plus strand): 5'-TTGCGGCTGTTCAGGACAGTGATGGTCTGCTCGATCCAGGTGAGCAGGTCCGAGGCTAGC[CCG>C]CTGTACTTTTCAATCATCTTCTCAGTCTCAATGGCATGGTCAATAACCTAAGGAATCATC-3'